The following is an entry in ClinVar:

NM_002691.4(POLD1):c.175C>T (p.Gln59Ter)

Gene: POLD1 (DNA polymerase delta 1, catalytic subunit; plus strand). Cytogenetic location: 19q13.33.
Variant type: single nucleotide variant.
Coding change: c.175C>T on transcript NM_002691.4 (MANE Select); coding-DNA position 175, C replaced by T.
Protein change: p.Gln59Ter; replaces glutamine 59 with a stop codon.
Molecular consequence: nonsense. On other transcripts: non-coding transcript variant (1).
Genome position (GRCh38, 1-based): chr19:50,399,026, C>T. VCF-style: chr19-50399026-C-T. GRCh37 (hg19) VCF-style: chr19-50902283-C-T.
Other names: c.175C>T, p.Gln59Ter (NM_001256849.1, NM_001308632.1); c.175C>T (NM_002691.3); short protein forms Q59*.
Identifiers: ClinVar variation 820000 (VCV000820000.8), dbSNP rs1601189472, ClinGen allele CA406970314.

ClinVar aggregate classification (germline): Uncertain significance. Review status: criteria provided, multiple submitters, no conflicts (2 of 4 stars). 3 submissions from 3 submitters: Uncertain significance (3). Last evaluated 2025-08-20.

Conditions:
POLD1-related disorder. Also called: POLD1-related disorders; POLD1-related condition.
Hereditary cancer-predisposing syndrome. Also called: Hereditary Cancer Syndrome; Hereditary neoplastic syndrome; Neoplastic Syndromes, Hereditary; Tumor predisposition. Identifiers: Orphanet 140162, MedGen C0027672, MeSH D009386, MONDO:0015356.
POLD1-related polyposis and colorectal cancer syndrome (CRCS10). Also called: Colorectal cancer, susceptibility to, 10; Colorectal cancer 10; COLORECTAL CANCER, SUSCEPTIBILITY TO, ON CHROMOSOME 19q. Identifiers: Orphanet 220460, MedGen C2675481, MONDO:0012953, OMIM 612591.

Allele frequency attached by ClinVar (database versions not stated): gnomAD exomes below 0.00001; TOPMed below 0.00001.
gnomAD v4.1: 1 of 1,557,566 alleles (0.000064%); highest among the groups gnomAD compares: African/African-American, 0.0014%; no homozygotes.

Submissions (3):

Labcorp Genetics (formerly Invitae), Labcorp
Classification: Uncertain significance for POLD1-related polyposis and colorectal cancer syndrome. Last evaluated: 2025-08-20. Review status: criteria provided, single submitter. Criteria: Invitae Variant Classification Sherloc (09022015). Collection method: clinical testing. Allele origin: germline.
Comment: This sequence change creates a premature translational stop signal (p.Gln59*) in the POLD1 gene. Missense variants that disrupt the 3'-5' exonuclease (proof-reading) activity of the POLD1 protein are associated with PPAP (polymerase proofreading–associated polyposis) (PMID: 23263490, 23447401). However, loss-of-function variants that result in an absent or severely disrupted POLD1 protein, and missense variants outside the exonuclease domain, are unlikely to be associated with PPAP. This variant is not present in population databases (gnomAD no frequency). This variant has not been reported in the literature in individuals affected with POLD1-related conditions. ClinVar contains an entry for this variant (Variation ID: 820000). Algorithms developed to predict the effect of sequence changes on RNA splicing suggest that this variant may disrupt the consensus splice site. In summary, the available evidence is currently insufficient to determine the role of this variant in disease. Therefore, it has been classified as a Variant of Uncertain Significance.

PreventionGenetics, part of Exact Sciences
Classification: Uncertain significance for POLD1-related condition. Last evaluated: 2023-03-01. Review status: criteria provided, single submitter. Criteria: ACMG Guidelines, 2015. Collection method: clinical testing. Allele origin: germline.
Comment: The POLD1 c.175C>T variant is predicted to result in premature protein termination (p.Gln59*). To our knowledge, this variant has not been reported in the literature or in a large population database, indicating this variant is rare. This variant has been interpreted as uncertain in ClinVar. Gross deletions and other loss of function variants in POLD1 have rarely been reported to be pathogenic. At this time, the clinical significance of this variant is uncertain due to the absence of conclusive functional and genetic evidence.

Ambry Genetics
Classification: Uncertain significance for Hereditary cancer-predisposing syndrome. Last evaluated: 2019-03-11. Review status: criteria provided, single submitter. Criteria: Ambry Variant Classification Scheme 2023. Collection method: clinical testing. Allele origin: germline.
Comment: The p.Q59* variant (also known as c.175C>T), located in coding exon 1 of the POLD1 gene, results from a C to T substitution at nucleotide position 175. This changes the amino acid from a glutamine to a stop codon within coding exon 1. This alteration is expected to result in loss of function by premature protein truncation or nonsense-mediated mRNA decay. However, loss of function via haploinsufficiency in POLD1 has not been clearly established as a mechanism of disease. Since supporting evidence is limited at this time, the clinical significance of this alteration remains unclear.

Literature cited by the submitters: PubMed 23263490 (cited by Labcorp Genetics (formerly Invitae), Labcorp); PubMed 23447401 (cited by Labcorp Genetics (formerly Invitae), Labcorp).